The following is an entry in ClinVar:

ClinVar aggregate classification (germline): Pathogenic (1 of 4 stars; one submission).

Conditions:
Cornelia de Lange syndrome 1 (CDLS1). Also called: Brachmann de Lange syndrome; NIPBL-Related Cornelia de Lange Syndrome; TYPUS DEGENERATIVUS AMSTELODAMENSIS. Identifiers: Orphanet 199, MedGen C4551851, MONDO:0007387, OMIM 122470.

Submission:

MVZ Praenatalmedizin und Genetik Nuernberg
Classification: Pathogenic for Cornelia de Lange syndrome 1. Last evaluated: 2025-02-07. Review status: criteria provided, single submitter. Criteria: ACMG Guidelines, 2015. Collection method: clinical testing. Allele origin: germline. Affected: yes.
Comment: This variant leads to a frameshift in exon 9 of 47 and a premature stop codon and is therefore considered pathogenic due to loss of function. Accordingly in ClinVar several downstream loss-of-function variants in this gene are also listed as likely pathogenic or pathogenic.

NM_133433.4(NIPBL):c.1318_1319dup (p.Asn440fs)

Gene: NIPBL (NIPBL cohesin loading factor; plus strand). Cytogenetic location: 5p13.2.
Variant type: Duplication.
Coding change: c.1318_1319dup on transcript NM_133433.4 (MANE Select); coding-DNA positions 1318 to 1319, 2 bases duplicated (AA; older notation c.1318_1319dupAA).
Protein change: p.Asn440fs; shifts the reading frame from asparagine 440.
Molecular consequence: frameshift variant.
Genome position (GRCh38, 1-based): chr5:36,976,225-36,976,226, AA duplicated. VCF-style (leftmost placement, unchanged base first): chr5-36976224-G-GAA. GRCh37 (hg19) VCF-style: chr5-36976326-G-GAA.
Other names: c.1318_1319dup, p.Asn440fs (NM_001438586.1, NM_015384.5); short protein forms N440fs.
Identifiers: ClinVar variation 4813444 (VCV004813444.1).
Genomic context (GRCh38, chr5:36,976,224, plus strand): 5'-TTTGTCGCAGCAAGAACAAACAGCATTCCTTCCAGCAAATCAAGTGCCTGTTTTACAACA[G>GAA]AACACTTCAGTTGCTGCAAAACAACCCCAGACTTCTGTGGTACAGAATCAACAACAGATA-3'